The following is an entry in ClinVar:

NM_031935.3(HMCN1):c.6421G>A (p.Gly2141Ser)

Gene: HMCN1 (hemicentin 1; plus strand). Cytogenetic location: 1q31.1.
Variant type: single nucleotide variant.
Coding change: c.6421G>A on transcript NM_031935.3 (MANE Select); coding-DNA position 6421, G replaced by A.
Protein change: p.Gly2141Ser; replaces glycine 2141 with serine.
Molecular consequence: missense variant.
Genome position (GRCh38, 1-based): chr1:186,045,804, G>A. VCF-style: chr1-186045804-G-A. GRCh37 (hg19) VCF-style: chr1-186014936-G-A.
Other names: short protein forms G2141S.
Identifiers: ClinVar variation 1473842 (VCV001473842.7), dbSNP rs964866048, ClinGen allele CA33474774.
Genomic context (GRCh38, chr1:186,045,804, plus strand): 5'-GTGGAATTACTATGTCAAAGTGATGCTATTCCCCCACCTACTCTTACTTGGTTAAAAGAC[G>A]GCCACCCCTTGCTGAAGAAACCAGGCCTCAGTATATCTGAAAATAGAAGTGTGTTAAAGG-3'
Protein context (NP_114141.2, residues 2131-2151): PPPTLTWLKD[Gly2141Ser]HPLLKKPGLS

ClinVar aggregate classification (germline): Uncertain significance (1 of 4 stars; one submission).

Allele frequency attached by ClinVar (database versions not stated): gnomAD 0.00001; TOPMed 0.00002.
gnomAD v4.1: 9 of 1,612,802 alleles (0.00056%); highest among the groups gnomAD compares: South Asian, 0.0011%; no homozygotes.

Submission:

Labcorp Genetics (formerly Invitae), Labcorp
Classification: Uncertain significance. Last evaluated: 2024-03-19. Review status: criteria provided, single submitter. Criteria: Invitae Variant Classification Sherloc (09022015). Collection method: clinical testing. Allele origin: germline.
Comment: This sequence change replaces glycine, which is neutral and non-polar, with serine, which is neutral and polar, at codon 2141 of the HMCN1 protein (p.Gly2141Ser). This variant is not present in population databases (gnomAD no frequency). This variant has not been reported in the literature in individuals affected with HMCN1-related conditions. ClinVar contains an entry for this variant (Variation ID: 1473842). An algorithm developed to predict the effect of missense changes on protein structure and function (PolyPhen-2) suggests that this variant is likely to be disruptive. In summary, the available evidence is currently insufficient to determine the role of this variant in disease. Therefore, it has been classified as a Variant of Uncertain Significance.